The following is an entry in ClinVar:

ClinVar aggregate classification (germline): Uncertain significance (1 of 4 stars; one submission).

Allele frequency attached by ClinVar (database versions not stated): TOPMed below 0.00001.

Submission:

Labcorp Genetics (formerly Invitae), Labcorp
Classification: Uncertain significance. Last evaluated: 2021-10-31. Review status: criteria provided, single submitter. Criteria: Invitae Variant Classification Sherloc (09022015). Collection method: clinical testing. Allele origin: germline.
Comment: This variant has not been reported in the literature in individuals affected with C2CD3-related conditions. In summary, the available evidence is currently insufficient to determine the role of this variant in disease. Therefore, it has been classified as a Variant of Uncertain Significance. Algorithms developed to predict the effect of missense changes on protein structure and function are either unavailable or do not agree on the potential impact of this missense change (SIFT: "Deleterious"; PolyPhen-2: "Probably Damaging"; Align-GVGD: "Class C0"). This variant is not present in population databases (gnomAD no frequency). This sequence change replaces isoleucine, which is neutral and non-polar, with methionine, which is neutral and non-polar, at codon 1747 of the C2CD3 protein (p.Ile1747Met).

NM_001286577.2(C2CD3):c.5241C>G (p.Ile1747Met)

Gene: C2CD3 (C2 domain containing 3 centriole elongation regulator; minus strand). Cytogenetic location: 11q13.4.
Variant type: single nucleotide variant.
Coding change: c.5241C>G on transcript NM_001286577.2 (MANE Select); coding-DNA position 5241, C replaced by G.
Protein change: p.Ile1747Met; replaces isoleucine 1747 with methionine.
Molecular consequence: missense variant.
Genome position (GRCh38, 1-based): chr11:74,049,457, G>C on the plus strand (C>G on the coding strand, the complement: C2CD3 is on the minus strand). VCF-style: chr11-74049457-G-C. GRCh37 (hg19) VCF-style: chr11-73760502-G-C.
Other names: c.5241C>G, p.Ile1747Met (NM_015531.6); short protein forms I1747M.
Identifiers: ClinVar variation 1485832 (VCV001485832.5), dbSNP rs1953565712, ClinGen allele CA381827683.
Genomic context (GRCh38, chr11:74,049,457, plus strand): 5'-ACTCTCCAAAGGGGAGACAGCAACTTTTATCTGCCCCTGGCACTCTCCACTGAAGTCTGT[G>C]ATGTTGTACCAGCCACAGACAAACTGGAAGCCAGAGAGAAGTGGGGAGAGGTCCACCGAG-3'
Protein context (NP_001273506.1, residues 1737-1757): GFQFVCGWYN[Ile1747Met]TDFSGECQGQ